The following is an entry in ClinVar:

NM_003998.4(NFKB1):c.850C>T (p.Arg284Ter)

Gene: NFKB1 (nuclear factor kappa B subunit 1; plus strand). Cytogenetic location: 4q24.
Variant type: single nucleotide variant.
Coding change: c.850C>T on transcript NM_003998.4 (MANE Select); coding-DNA position 850, C replaced by T.
Protein change: p.Arg284Ter; replaces arginine 284 with a stop codon.
Molecular consequence: nonsense.
Genome position (GRCh38, 1-based): chr4:102,582,880, C>T. VCF-style: chr4-102582880-C-T. GRCh37 (hg19) VCF-style: chr4-103504037-C-T.
Other names: c.847C>T, p.Arg283Ter (NM_001165412.2, NM_001319226.2); short protein forms R283*, R284*.
Identifiers: ClinVar variation 827726 (VCV000827726.10), dbSNP rs1578793312, ClinGen allele CA357960455.

ClinVar aggregate classification (germline): Pathogenic/Likely pathogenic. Review status: criteria provided, multiple submitters, no conflicts (2 of 4 stars). 7 submissions from 6 submitters: Pathogenic (5); Likely pathogenic (1). 1 of the submissions does not count toward it. Last evaluated 2025-12-11.

Conditions:
Inherited Immunodeficiency Diseases. Identifiers: MedGen C5197805, MeSH D000081207.
Immunodeficiency, common variable, 12 (CVID12). Also called: NFKB1 DEFICIENCY; IMMUNODEFICIENCY, COMMON VARIABLE, 12, WITH AUTOIMMUNITY. Identifiers: Orphanet 1572, Orphanet 696874, MedGen C4225277, MONDO:0014697, OMIM 616576.
NFKB1-related disorder. Also called: NFKB1-related condition.
Common variable immunodeficiency (CVID). Also called: Common variable hypogamma-globulinemia; Common variable agammaglobulinemia. Identifiers: Orphanet 1572, MedGen C0009447, MONDO:0015517.

Submissions (7):

Labcorp Genetics (formerly Invitae), Labcorp
Classification: Pathogenic. Last evaluated: 2025-12-11. Review status: criteria provided, single submitter. Criteria: Invitae Variant Classification Sherloc (09022015). Collection method: clinical testing. Allele origin: germline.
Comment: This sequence change creates a premature translational stop signal (p.Arg284*) in the NFKB1 gene. It is expected to result in an absent or disrupted protein product. Loss-of-function variants in NFKB1 are known to be pathogenic (PMID: 26279205, 29477724). This variant is not present in population databases (gnomAD no frequency). This premature translational stop signal has been observed in individual(s) with autosomal dominant NKFB1 deficiency (PMID: 29477724, 32499645, 32581362, 32918165). ClinVar contains an entry for this variant (Variation ID: 827726). For these reasons, this variant has been classified as Pathogenic.

GeneDx
Classification: Pathogenic. Last evaluated: 2025-03-13. Review status: criteria provided, single submitter. Criteria: GeneDx Variant Classification Process June 2021. Collection method: clinical testing. Allele origin: germline. Affected: yes.
Comment: Nonsense variant predicted to result in protein truncation or nonsense mediated decay in a gene for which loss of function is a known mechanism of disease; Not observed at significant frequency in large population cohorts (gnomAD); This variant is associated with the following publications: (PMID: 32499645, 32918165, 29477724, 32581362)

Blueprint Genetics
Classification: Pathogenic for NFKB1-related disorders. Last evaluated: 2024-03-13. Review status: criteria provided, single submitter. Criteria: ACMG Guidelines, 2015. Collection method: clinical testing. Allele origin: germline. Affected: yes. Observed: 1 variant allele.

Institute of Human Genetics, University of Leipzig Medical Center
Classification: Pathogenic for Immunodeficiency, common variable, 12. Last evaluated: 2019-01-01. Review status: criteria provided, single submitter. Criteria: ACMG Guidelines, 2015. Collection method: clinical testing. Allele origin: unknown. Affected: yes.

NIHR Bioresource Rare Diseases, University of Cambridge
Classification: Pathogenic for Inherited Immunodeficiency Diseases. Last evaluated: 2019-01-01. Review status: criteria provided, single submitter. Criteria: ACMG Guidelines, 2015. Collection method: research. Allele origin: germline. Affected: yes. Observed: 2 heterozygotes. Clinical features observed: Abnormal immunoglobulin level (HP:0100032), B lymphocytopenia (HP:0002956), IgA deficiency (HP:0002720), IgG deficiency (HP:0004315), Recurrent bacterial infections (HP:0002718), Decreased antibody level in blood (HP:0010703).

NIHR Bioresource Rare Diseases, University of Cambridge
Classification: Likely pathogenic for Common variable immunodeficiency. Last evaluated: 2019-01-01. Review status: criteria provided, single submitter. Criteria: ACMG Guidelines, 2015. Collection method: research. Allele origin: germline. Affected: yes. Observed: 1 heterozygote.

OMIM
Classification: Pathogenic for IMMUNODEFICIENCY, COMMON VARIABLE, 12, WITH AUTOIMMUNITY. Last evaluated: 2021-04-20. Review status: no assertion criteria provided. Collection method: literature only. Allele origin: germline. Not counted in ClinVar's aggregate classification.

Literature cited by the submitters: PubMed 26279205 (cited by Labcorp Genetics (formerly Invitae), Labcorp); PubMed 29477724 (cited by Labcorp Genetics (formerly Invitae), Labcorp and OMIM); PubMed 32499645 (cited by Labcorp Genetics (formerly Invitae), Labcorp); PubMed 32581362 (cited by Labcorp Genetics (formerly Invitae), Labcorp); PubMed 32918165 (cited by Labcorp Genetics (formerly Invitae), Labcorp).